The following is an entry in ClinVar:

NM_024301.5(FKRP):c.278T>A (p.Leu93Gln)

Gene: FKRP (fukutin related protein; plus strand). Cytogenetic location: 19q13.32.
Variant type: single nucleotide variant.
Coding change: c.278T>A on transcript NM_024301.5 (MANE Select); coding-DNA position 278, T replaced by A.
Protein change: p.Leu93Gln; replaces leucine 93 with glutamine.
Molecular consequence: missense variant.
Genome position (GRCh38, 1-based): chr19:46,755,728, T>A. VCF-style: chr19-46755728-T-A. GRCh37 (hg19) VCF-style: chr19-47258985-T-A.
Other names: c.278T>A, p.Leu93Gln (NM_001039885.3); short protein forms L93Q.
Identifiers: ClinVar variation 4614173 (VCV004614173.1).
Genomic context (GRCh38, chr19:46,755,728, plus strand): 5'-AAGACCCAGCCCAGCCCGTGGTGGTGGCAGCCGACACGCTCCCCTACCCGCCCCTGGCCC[T>A]GCCCCGCATCCCCAACGTGCGTCTGGCGCTGCTCCAGCCCGCCCTGGACCGGCCAGCCGC-3'
Protein context (NP_077277.1, residues 83-103): ADTLPYPPLA[Leu93Gln]PRIPNVRLAL

ClinVar aggregate classification (germline): Uncertain significance (1 of 4 stars; one submission).

Conditions:
Cardiovascular phenotype. Identifiers: MedGen CN230736.

Submission:

Ambry Genetics
Classification: Uncertain significance for Cardiovascular phenotype. Last evaluated: 2025-09-18. Review status: criteria provided, single submitter. Criteria: Ambry Variant Classification Scheme 2023. Collection method: clinical testing. Allele origin: germline.
Comment: The p.L93Q variant (also known as c.278T>A), located in coding exon 1 of the FKRP gene, results from a T to A substitution at nucleotide position 278. The leucine at codon 93 is replaced by glutamine, an amino acid with dissimilar properties. This amino acid position is conserved. In addition, this alteration is predicted to be deleterious by in silico analysis. Based on the available evidence, the clinical significance of this variant remains unclear.